The following is an entry in ClinVar:

NM_001042492.3(NF1):c.4022A>G (p.Gln1341Arg)

Gene: NF1 (neurofibromin 1; plus strand). Cytogenetic location: 17q11.2.
Variant type: single nucleotide variant.
Coding change: c.4022A>G on transcript NM_001042492.3 (MANE Select); coding-DNA position 4022, A replaced by G.
Protein change: p.Gln1341Arg; replaces glutamine 1341 with arginine.
Molecular consequence: missense variant.
Genome position (GRCh38, 1-based): chr17:31,249,031, A>G. VCF-style: chr17-31249031-A-G. GRCh37 (hg19) VCF-style: chr17-29576049-A-G.
Other names: c.4022A>G, p.Gln1341Arg (NM_000267.4); short protein forms Q1341R.
Identifiers: ClinVar variation 1388568 (VCV001388568.6), dbSNP rs1555617325, ClinGen allele CA398994906.

ClinVar aggregate classification (germline): Uncertain significance (1 of 4 stars; one submission).

Conditions:
Neurofibromatosis, type 1 (NF1). Also called: VON RECKLINGHAUSEN DISEASE; Neurofibromatosis, type I; NEUROFIBROMATOSIS, TYPE I, SOMATIC; Peripheral type neurofibromatosis. Identifiers: Orphanet 636, MedGen C0027831, MONDO:0018975, OMIM 162200. Disease mechanism: loss of function.

Allele frequency attached by ClinVar (database versions not stated): gnomAD exomes below 0.00001.
gnomAD v4.1: 1 of 1,614,150 alleles (0.000062%); highest among the groups gnomAD compares: Non-Finnish European, 0.000085%; no homozygotes.

Submission:

Labcorp Genetics (formerly Invitae), Labcorp
Classification: Uncertain significance for Neurofibromatosis, type 1. Last evaluated: 2021-10-25. Review status: criteria provided, single submitter. Criteria: Invitae Variant Classification Sherloc (09022015). Collection method: clinical testing. Allele origin: germline.
Comment: In summary, the available evidence is currently insufficient to determine the role of this variant in disease. Therefore, it has been classified as a Variant of Uncertain Significance. Algorithms developed to predict the effect of missense changes on protein structure and function are either unavailable or do not agree on the potential impact of this missense change (SIFT: "Deleterious"; PolyPhen-2: "Benign"; Align-GVGD: "Class C0"). This variant has not been reported in the literature in individuals affected with NF1-related conditions. This variant is not present in population databases (ExAC no frequency). This sequence change replaces glutamine with arginine at codon 1341 of the NF1 protein (p.Gln1341Arg). The glutamine residue is moderately conserved and there is a small physicochemical difference between glutamine and arginine.